The following is an entry in ClinVar:

NM_001367498.1(CNTNAP5):c.3776T>C (p.Met1259Thr)

Gene: CNTNAP5 (contactin associated protein family member 5; plus strand). Cytogenetic location: 2q14.3.
Variant type: single nucleotide variant.
Coding change: c.3776T>C on transcript NM_001367498.1 (MANE Select); coding-DNA position 3776, T replaced by C.
Protein change: p.Met1259Thr; replaces methionine 1259 with threonine.
Molecular consequence: missense variant.
Genome position (GRCh38, 1-based): chr2:124,914,140, T>C. VCF-style: chr2-124914140-T-C. GRCh37 (hg19) VCF-style: chr2-125671717-T-C.
Other names: c.3773T>C, p.Met1258Thr (NM_130773.4); short protein forms M1258T, M1259T.
Identifiers: ClinVar variation 3041532 (VCV003041532.2), dbSNP rs200964430, ClinGen allele CA1856529.

ClinVar aggregate classification (germline): Likely benign (0 of 4 stars; one submission).

Conditions:
CNTNAP5-related disorder. Also called: CNTNAP5-related condition.

Allele frequency attached by ClinVar (database versions not stated): TOPMed 0.00014; ExAC 0.00015; gnomAD 0.00016.

Submission:

PreventionGenetics, part of Exact Sciences
Classification: Likely benign for CNTNAP5-related condition. Last evaluated: 2019-05-17. Review status: no assertion criteria provided. Collection method: clinical testing. Allele origin: germline.
Comment: This variant is classified as likely benign based on ACMG/AMP sequence variant interpretation guidelines (Richards et al. 2015 PMID: 25741868, with internal and published modifications).